The following is an entry in ClinVar:

ClinVar aggregate classification (germline): Uncertain significance (1 of 4 stars; one submission).

Submission:

Labcorp Genetics (formerly Invitae), Labcorp
Classification: Uncertain significance. Last evaluated: 2022-08-12. Review status: criteria provided, single submitter. Criteria: Invitae Variant Classification Sherloc (09022015). Collection method: clinical testing. Allele origin: germline.
Comment: In summary, the available evidence is currently insufficient to determine the role of this variant in disease. Therefore, it has been classified as a Variant of Uncertain Significance. Algorithms developed to predict the effect of missense changes on protein structure and function (SIFT, PolyPhen-2, Align-GVGD) all suggest that this variant is likely to be disruptive. This variant has not been reported in the literature in individuals affected with DSCAML1-related conditions. This variant is not present in population databases (gnomAD no frequency). This sequence change replaces valine, which is neutral and non-polar, with leucine, which is neutral and non-polar, at codon 1374 of the DSCAML1 protein (p.Val1374Leu).

NM_020693.4(DSCAML1):c.3940G>C (p.Val1314Leu)

Gene: DSCAML1 (DS cell adhesion molecule like 1; minus strand). Cytogenetic location: 11q23.3.
Variant type: single nucleotide variant.
Coding change: c.3940G>C on transcript NM_020693.4 (MANE Select); coding-DNA position 3940, G replaced by C.
Protein change: p.Val1314Leu; replaces valine 1314 with leucine.
Molecular consequence: missense variant.
Genome position (GRCh38, 1-based): chr11:117,439,859, C>G on the plus strand (G>C on the coding strand, the complement: DSCAML1 is on the minus strand). VCF-style: chr11-117439859-C-G. GRCh37 (hg19) VCF-style: chr11-117310575-C-G.
Other names: short protein forms V1314L.
Identifiers: ClinVar variation 2023740 (VCV002023740.4), dbSNP rs2048007569, ClinGen allele CA382761615.
Genomic context (GRCh38, chr11:117,439,859, plus strand): 5'-TCCACTGTCCCGACACACACCTGTCCTTGGTCCACTTCACAGCAGGGGCTGGATCTCCCA[C>G]TGAATTGCAAGGCAGCCGAACATCTTTCATCCAAGGTGTTGTCACGGTGCCCCCAAAGGA-3'
Protein context (NP_065744.3, residues 1304-1324): MKDVRLPCNS[Val1314Leu]GDPAPAVKWT